The following is an entry in ClinVar:

ClinVar aggregate classification (germline): Benign. Review status: criteria provided, single submitter (1 of 4 stars). 2 submissions from 2 submitters: Benign (1). 1 of the submissions does not count toward it. Last evaluated 2019-12-31.

Conditions:
GLI1-related disorder. Also called: GLI1-related condition.

Allele frequency attached by ClinVar (database versions not stated): 1000 Genomes Project 0.00040; 1000 Genomes Project 30x 0.00047; gnomAD 0.00092 and 0.00096; TOPMed 0.00094; ESP Exome Variant Server 0.00161.

Submissions (2):

Labcorp Genetics (formerly Invitae), Labcorp
Classification: Benign. Last evaluated: 2019-12-31. Review status: criteria provided, single submitter. Criteria: Invitae Variant Classification Sherloc (09022015). Collection method: clinical testing. Allele origin: germline.

PreventionGenetics, part of Exact Sciences
Classification: Likely benign for GLI1-related condition. Last evaluated: 2019-09-13. Review status: no assertion criteria provided. Collection method: clinical testing. Allele origin: germline. Not counted in ClinVar's aggregate classification.
Comment: This variant is classified as likely benign based on ACMG/AMP sequence variant interpretation guidelines (Richards et al. 2015 PMID: 25741868, with internal and published modifications).

NM_005269.3(GLI1):c.291G>A (p.Thr97=)

Gene: GLI1 (GLI family zinc finger 1; plus strand). Cytogenetic location: 12q13.3.
Variant type: single nucleotide variant.
Coding change: c.291G>A on transcript NM_005269.3 (MANE Select); coding-DNA position 291, G replaced by A.
Protein change: p.Thr97=; no amino-acid change (threonine 97 retained).
Molecular consequence: synonymous variant. On other transcripts: 5 prime UTR variant (1).
Genome position (GRCh38, 1-based): chr12:57,464,770, G>A. VCF-style: chr12-57464770-G-A. GRCh37 (hg19) VCF-style: chr12-57858553-G-A.
Other names: c.-94G>A (NM_001160045.2); c.168G>A, p.Thr56= (NM_001167609.2).
Identifiers: ClinVar variation 725547 (VCV000725547.6), dbSNP rs117426148, ClinGen allele CA6648419.